The following is an entry in ClinVar:

ClinVar aggregate classification (germline): Uncertain significance (1 of 4 stars; one submission).

Submission:

Labcorp Genetics (formerly Invitae), Labcorp
Classification: Uncertain significance. Last evaluated: 2024-09-23. Review status: criteria provided, single submitter. Criteria: Invitae Variant Classification Sherloc (09022015). Collection method: clinical testing. Allele origin: germline.
Comment: This sequence change replaces methionine, which is neutral and non-polar, with threonine, which is neutral and polar, at codon 916 of the ARID1B protein (p.Met916Thr). This variant is not present in population databases (gnomAD no frequency). This variant has not been reported in the literature in individuals affected with ARID1B-related conditions. ClinVar contains an entry for this variant (Variation ID: 2127170). Invitae Evidence Modeling of protein sequence and biophysical properties (such as structural, functional, and spatial information, amino acid conservation, physicochemical variation, residue mobility, and thermodynamic stability) has been performed for this missense variant. However, the output from this modeling did not meet the statistical confidence thresholds required to predict the impact of this variant on ARID1B protein function. In summary, the available evidence is currently insufficient to determine the role of this variant in disease. Therefore, it has been classified as a Variant of Uncertain Significance.

NM_001374828.1(ARID1B):c.2957T>C (p.Met986Thr)

Gene: ARID1B (AT-rich interaction domain 1B; plus strand). Cytogenetic location: 6q25.3.
Variant type: single nucleotide variant.
Coding change: c.2957T>C on transcript NM_001374828.1 (MANE Select); coding-DNA position 2957, T replaced by C.
Protein change: p.Met986Thr; replaces methionine 986 with threonine.
Molecular consequence: missense variant.
Genome position (GRCh38, 1-based): chr6:157,148,819, T>C. VCF-style: chr6-157148819-T-C. GRCh37 (hg19) VCF-style: chr6-157469953-T-C.
Other names: c.2708T>C, p.Met903Thr (NM_001346813.1); c.458T>C, p.Met153Thr (NM_001363725.2); c.2996T>C, p.Met999Thr (NM_001371656.1, NM_001374820.1); c.2957T>C, p.Met986Thr (NM_017519.3); c.2747T>C, p.Met916Thr (NM_020732.3); c.2534T>C, p.Met845Thr (NM_175863.2); short protein forms M986T, M153T, M845T, M916T, M903T, M999T.
Identifiers: ClinVar variation 2127170 (VCV002127170.4), dbSNP rs2537888766, ClinGen allele CA366389027.